The following is an entry in ClinVar:

ClinVar aggregate classification (germline): Uncertain significance (1 of 4 stars; one submission).

gnomAD v4.1: 33 of 1,614,066 alleles (0.002%); highest among the groups gnomAD compares: Non-Finnish European, 0.0027%; no homozygotes.

Submission:

Labcorp Genetics (formerly Invitae), Labcorp
Classification: Uncertain significance. Last evaluated: 2024-09-08. Review status: criteria provided, single submitter. Criteria: Invitae Variant Classification Sherloc (09022015). Collection method: clinical testing. Allele origin: germline.
Comment: This sequence change replaces methionine, which is neutral and non-polar, with valine, which is neutral and non-polar, at codon 48 of the SIN3A protein (p.Met48Val). This variant is present in population databases (no rsID available, gnomAD 0.0009%). This variant has not been reported in the literature in individuals affected with SIN3A-related conditions. An algorithm developed to predict the effect of missense changes on protein structure and function (PolyPhen-2) suggests that this variant is likely to be tolerated. In summary, the available evidence is currently insufficient to determine the role of this variant in disease. Therefore, it has been classified as a Variant of Uncertain Significance.

NM_001145358.2(SIN3A):c.142A>G (p.Met48Val)

Gene: SIN3A (SIN3 transcription regulator family member A; minus strand). Cytogenetic location: 15q24.2.
Variant type: single nucleotide variant.
Coding change: c.142A>G on transcript NM_001145358.2 (MANE Select); coding-DNA position 142, A replaced by G.
Protein change: p.Met48Val; replaces methionine 48 with valine.
Molecular consequence: missense variant.
Genome position (GRCh38, 1-based): chr15:75,430,234, T>C on the plus strand (A>G on the coding strand, the complement: SIN3A is on the minus strand). VCF-style: chr15-75430234-T-C. GRCh37 (hg19) VCF-style: chr15-75722575-T-C.
Other names: c.142A>G, p.Met48Val (NM_001145357.2, NM_015477.3); short protein forms M48V.
Identifiers: ClinVar variation 3622564 (VCV003622564.2).
Genomic context (GRCh38, chr15:75,430,234, plus strand): 5'-GGCTCCAGCTTACCTGGTAGCTGGGTGTTACAGAGTACTGAATTCCCGTAGCTGACTGCA[T>C]GGTCTCAGACACTGCTTCATACACAGGAGGGGCAGGGGCAAGCACCCGGTGCTGGTGAGG-3'
Protein context (NP_001138830.1, residues 38-58): PPVYEAVSET[Met48Val]QSATGIQYSV